The following is an entry in ClinVar:

NM_032608.7(MYO18B):c.7674G>C (p.Ala2558=)

Gene: MYO18B (myosin XVIIIB; plus strand). Cytogenetic location: 22q12.1.
Variant type: single nucleotide variant.
Coding change: c.7674G>C on transcript NM_032608.7 (MANE Select); coding-DNA position 7674, G replaced by C.
Protein change: p.Ala2558=; no amino-acid change (alanine 2558 retained).
Molecular consequence: synonymous variant.
Genome position (GRCh38, 1-based): chr22:26,027,648, G>C. VCF-style: chr22-26027648-G-C. GRCh37 (hg19) VCF-style: chr22-26423614-G-C.
Other names: c.7677G>C, p.Ala2559= (NM_001318245.2).
Identifiers: ClinVar variation 727522 (VCV000727522.10), dbSNP rs374979498, ClinGen allele CA10161845.
Genomic context (GRCh38, chr22:26,027,648, plus strand): 5'-CGAGCGAACGTCCCCCGAGCGGAGAGAGCCAGGGACGGGGAGGAAAGACGACGATGTTGC[G>C]AGCATAATGAAGAAATACCTCCAGAAGTAGGAACCAGTTCAGGTAAAAGCAACAGGCTGG-3'
Protein context (NP_115997.5, residues 2548-2567): PGTGRKDDDV[Ala2558=]SIMKKYLQK

ClinVar aggregate classification (germline): Likely benign. Review status: criteria provided, multiple submitters, no conflicts (2 of 4 stars). 3 submissions from 3 submitters: Likely benign (3). Last evaluated 2026-08-01.

Conditions:
MYO18B-related disorder. Also called: MYO18B-related condition.

Allele frequency attached by ClinVar (database versions not stated): TOPMed 0.00029; gnomAD 0.00039 and 0.00043; ESP Exome Variant Server 0.00049.
gnomAD v4.1: 137 of 1,613,022 alleles (0.0085%); highest among the groups gnomAD compares: African/African-American, 0.092%; no homozygotes.

Submissions (3):

PreventionGenetics, part of Exact Sciences
Classification: Likely benign for MYO18B-related condition. Last evaluated: 2026-08-01. Review status: criteria provided, single submitter. Criteria: ACMG Guidelines, 2015. Collection method: clinical testing. Allele origin: germline.
Comment: This variant is classified as likely benign based on ACMG/AMP sequence variant interpretation guidelines (Richards et al. 2015 PMID: 25741868, with internal and published modifications).

Labcorp Genetics (formerly Invitae), Labcorp
Classification: Likely benign. Last evaluated: 2025-12-29. Review status: criteria provided, single submitter. Criteria: Invitae Variant Classification Sherloc (09022015). Collection method: clinical testing. Allele origin: germline.

Blueprint Genetics
Classification: Likely benign. Last evaluated: 2021-10-07. Review status: criteria provided, single submitter. Criteria: ACMG Guidelines, 2015. Collection method: clinical testing. Allele origin: germline.